The following is an entry in ClinVar:

ClinVar aggregate classification (germline): Uncertain significance (1 of 4 stars; one submission).

Conditions:
Hereditary cancer-predisposing syndrome. Also called: Hereditary neoplastic syndrome; Tumor predisposition; Hereditary Cancer Syndrome; Neoplastic Syndromes, Hereditary. Identifiers: Orphanet 140162, MedGen C0027672, MeSH D009386, MONDO:0015356.

Submission:

Ambry Genetics
Classification: Uncertain significance for Hereditary cancer-predisposing syndrome. Last evaluated: 2023-08-13. Review status: criteria provided, single submitter. Criteria: Ambry Variant Classification Scheme 2023. Collection method: clinical testing. Allele origin: germline.
Comment: The p.I841N variant (also known as c.2522T>A), located in coding exon 11 of the BLM gene, results from a T to A substitution at nucleotide position 2522. The isoleucine at codon 841 is replaced by asparagine, an amino acid with dissimilar properties. This amino acid position is conserved. In addition, the in silico prediction for this alteration is inconclusive. Since supporting evidence is limited at this time, the clinical significance of this alteration remains unclear.

NM_000057.4(BLM):c.2522T>A (p.Ile841Asn)

Gene: BLM (BLM RecQ like helicase; plus strand). Cytogenetic location: 15q26.1.
Variant type: single nucleotide variant.
Coding change: c.2522T>A on transcript NM_000057.4 (MANE Select); coding-DNA position 2522, T replaced by A.
Protein change: p.Ile841Asn; replaces isoleucine 841 with asparagine.
Molecular consequence: missense variant.
Genome position (GRCh38, 1-based): chr15:90,769,553, T>A. VCF-style: chr15-90769553-T-A. GRCh37 (hg19) VCF-style: chr15-91312783-T-A.
Other names: c.2522T>A, p.Ile841Asn (NM_001287246.2, NM_001287247.2); c.1397T>A, p.Ile466Asn (NM_001287248.2); short protein forms I841N, I466N.
Identifiers: ClinVar variation 2586895 (VCV002586895.2), dbSNP rs767086502, ClinGen allele CA393845500.